The following is an entry in ClinVar:

NM_001942.4(DSG1):c.3139T>C (p.Tyr1047His)

Genes: DSG1 (desmoglein 1; plus strand), DSG1-AS1 (DSG1 antisense RNA 1; minus strand). Cytogenetic location: 18q12.1.
Variant type: single nucleotide variant.
Coding change: c.3139T>C on transcript NM_001942.4 (MANE Select); coding-DNA position 3139, T replaced by C.
Protein change: p.Tyr1047His; replaces tyrosine 1047 with histidine.
Molecular consequence: missense variant.
Genome position (GRCh38, 1-based): chr18:31,355,335, T>C. VCF-style: chr18-31355335-T-C. GRCh37 (hg19) VCF-style: chr18-28935298-T-C.
Other names: short protein forms Y1047H.
Identifiers: ClinVar variation 3693502 (VCV003693502.2).

ClinVar aggregate classification (germline): Uncertain significance (1 of 4 stars; one submission).

gnomAD v4.1: 1 of 1,614,148 alleles (0.000062%); highest among the groups gnomAD compares: Admixed American, 0.0017%; no homozygotes.

Submission:

Labcorp Genetics (formerly Invitae), Labcorp
Classification: Uncertain significance. Last evaluated: 2025-06-09. Review status: criteria provided, single submitter. Criteria: Invitae Variant Classification Sherloc (09022015). Collection method: clinical testing. Allele origin: germline.
Comment: This sequence change replaces tyrosine, which is neutral and polar, with histidine, which is basic and polar, at codon 1047 of the DSG1 protein (p.Tyr1047His). This variant is present in population databases (rs772842163, gnomAD 0.003%). This variant has not been reported in the literature in individuals affected with DSG1-related conditions. ClinVar contains an entry for this variant (Variation ID: 3693502). An algorithm developed to predict the effect of missense changes on protein structure and function (PolyPhen-2) suggests that this variant is likely to be disruptive. In summary, the available evidence is currently insufficient to determine the role of this variant in disease. Therefore, it has been classified as a Variant of Uncertain Significance.